The following is an entry in ClinVar:

ClinVar aggregate classification (germline): Likely pathogenic (1 of 4 stars; one submission).

Conditions:
Acromesomelic dysplasia 1, Maroteaux type (AMD1). Also called: ACROMESOMELIC DYSPLASIA 1; ST. HELENA DYSPLASIA. Identifiers: Orphanet 40, MedGen C1864356, MONDO:0011275, OMIM 602875.

Submission:

Suzhou Clinical Center for Rare Diseases in Children, Children's Hospital of Soochow University
Classification: Likely pathogenic for Acromesomelic dysplasia 1, Maroteaux type. Last evaluated: 2024-09-01. Review status: criteria provided, single submitter. Criteria: ACMG Guidelines, 2015. Collection method: clinical testing. Allele origin: paternal. Affected: yes.
Comment: The NM_003995.3 c.1849delT (p.Trp617GlyfsTer101) variant of NPR2 is a frameshift mutation that may lead to the premature termination and NMD (PVS1). This variant is not recorded in the gnomAD database concerning its frequency in the population (PM2_Supproting). According to the ACMG guidelines, this variant is classified as a variant of likely pathogenic (PVS1+PM2_Supporting).

NM_003995.4(NPR2):c.1849del (p.Trp617fs)

Gene: NPR2 (natriuretic peptide receptor 2; plus strand). Cytogenetic location: 9p13.3.
Variant type: Deletion.
Coding change: c.1849del on transcript NM_003995.4 (MANE Select); coding-DNA position 1849, one base deleted (T; older notation c.1849delT).
Protein change: p.Trp617fs; shifts the reading frame from tryptophan 617.
Molecular consequence: frameshift variant.
Genome position (GRCh38, 1-based): chr9:35,802,765, T deleted. VCF-style (leftmost placement, unchanged base first): chr9-35802764-CT-C. GRCh37 (hg19) VCF-style: chr9-35802761-CT-C.
Other names: c.1858del, p.Trp620fs (NM_001378923.1); short protein forms W617fs, W620fs.
Identifiers: ClinVar variation 3362236 (VCV003362236.1).
Genomic context (GRCh38, chr9:35,802,764, plus strand): 5'-AGACAGTCTATTCCATGTCACTTACCAGGATATTCTAGAAAATGACAGCATCAACTTGGA[CT>C]GGATGTTTCGTTATTCACTCATTAATGACCTTGTTAAGGTGAGTCTTCCCCACTCCTTAA-3'